The following is an entry in ClinVar:

ClinVar aggregate classification (germline): Uncertain significance. Review status: criteria provided, multiple submitters, no conflicts (2 of 4 stars). 2 submissions from 2 submitters: Uncertain significance (2). Last evaluated 2025-02-03.

Allele frequency attached by ClinVar (database versions not stated): gnomAD exomes below 0.00001.
gnomAD v4.1: 8 of 1,614,118 alleles (0.0005%); highest among the groups gnomAD compares: South Asian, 0.0022%; no homozygotes.

Submissions (2):

Labcorp Genetics (formerly Invitae), Labcorp
Classification: Uncertain significance. Last evaluated: 2025-02-03. Review status: criteria provided, single submitter. Criteria: Invitae Variant Classification Sherloc (09022015). Collection method: clinical testing. Allele origin: germline.
Comment: This sequence change replaces arginine, which is basic and polar, with cysteine, which is neutral and slightly polar, at codon 319 of the FBLN5 protein (p.Arg319Cys). This variant is present in population databases (rs776279224, gnomAD 0.004%). This variant has not been reported in the literature in individuals affected with FBLN5-related conditions. ClinVar contains an entry for this variant (Variation ID: 2644462). Invitae Evidence Modeling of protein sequence and biophysical properties (such as structural, functional, and spatial information, amino acid conservation, physicochemical variation, residue mobility, and thermodynamic stability) indicates that this missense variant is not expected to disrupt FBLN5 protein function with a negative predictive value of 80%. In summary, the available evidence is currently insufficient to determine the role of this variant in disease. Therefore, it has been classified as a Variant of Uncertain Significance.

CeGaT Center for Human Genetics Tuebingen
Classification: Uncertain significance. Last evaluated: 2023-06-01. Review status: criteria provided, single submitter. Criteria: CeGaT Center For Human Genetics Tuebingen Variant Classification Criteria Version 2. Collection method: clinical testing. Allele origin: germline. Affected: yes. Observed: 1 variant allele.
Comment: FBLN5: PM2

NM_006329.4(FBLN5):c.955C>T (p.Arg319Cys)

Gene: FBLN5 (fibulin 5; minus strand). Cytogenetic location: 14q32.12.
Variant type: single nucleotide variant.
Coding change: c.955C>T on transcript NM_006329.4 (MANE Select); coding-DNA position 955, C replaced by T.
Protein change: p.Arg319Cys; replaces arginine 319 with cysteine.
Molecular consequence: missense variant.
Genome position (GRCh38, 1-based): chr14:91,881,326, G>A on the plus strand (C>T on the coding strand, the complement: FBLN5 is on the minus strand). VCF-style: chr14-91881326-G-A. GRCh37 (hg19) VCF-style: chr14-92347670-G-A.
Other names: c.1078C>T, p.Arg360Cys (NM_001384158.1); c.1006C>T, p.Arg336Cys (NM_001384159.1); c.955C>T, p.Arg319Cys (NM_001384160.1); c.787C>T, p.Arg263Cys (NM_001384161.1, NM_001384162.1); short protein forms R263C, R319C, R336C, R360C.
Identifiers: ClinVar variation 2644462 (VCV002644462.27), dbSNP rs776279224, ClinGen allele CA265595444.